The following is an entry in ClinVar:

ClinVar aggregate classification (germline): Uncertain significance. Review status: criteria provided, multiple submitters, no conflicts (2 of 4 stars). 2 submissions from 2 submitters: Uncertain significance (2). Last evaluated 2025-07-02.

Conditions:
Dyskeratosis congenita, autosomal recessive 5 (DKCB5). Identifiers: MedGen C3554656, MONDO:0014076, OMIM 615190.
Pulmonary fibrosis and/or bone marrow failure, Telomere-related, 3. Also called: PULMONARY FIBROSIS AND/OR BONE MARROW FAILURE SYNDROME, TELOMERE-RELATED, 3. Identifiers: Orphanet 2032, MedGen C4225346, MONDO:0014613, OMIM 616373.

Allele frequency attached by ClinVar (database versions not stated): TOPMed below 0.00001; ExAC 0.00001; gnomAD exomes 0.00001.
gnomAD v4.1: 10 of 1,612,374 alleles (0.00062%); highest among the groups gnomAD compares: East Asian, 0.0022%; no homozygotes.

Submissions (2):

GeneDx
Classification: Uncertain significance. Last evaluated: 2025-07-02. Review status: criteria provided, single submitter. Criteria: GeneDx Variant Classification Process June 2021. Collection method: clinical testing. Allele origin: germline.
Comment: Not observed at significant frequency in large population cohorts (gnomAD); In silico analysis supports that this missense variant has a deleterious effect on protein structure/function; This variant is associated with the following publications: (PMID: 33006015, 31910222)

Labcorp Genetics (formerly Invitae), Labcorp
Classification: Uncertain significance for Dyskeratosis congenita, autosomal recessive 5; Pulmonary fibrosis and/or bone marrow failure, Telomere-related, 3. Last evaluated: 2024-10-23. Review status: criteria provided, single submitter. Criteria: Invitae Variant Classification Sherloc (09022015). Collection method: clinical testing. Allele origin: germline.
Comment: This sequence change replaces arginine, which is basic and polar, with histidine, which is basic and polar, at codon 729 of the RTEL1 protein (p.Arg729His). This variant is present in population databases (rs777153220, gnomAD 0.006%). This variant has not been reported in the literature in individuals affected with RTEL1-related conditions. ClinVar contains an entry for this variant (Variation ID: 2181512). An algorithm developed to predict the effect of missense changes on protein structure and function (PolyPhen-2) suggests that this variant is likely to be disruptive. In summary, the available evidence is currently insufficient to determine the role of this variant in disease. Therefore, it has been classified as a Variant of Uncertain Significance.

NM_001283009.2(RTEL1):c.2186G>A (p.Arg729His)

Genes: RTEL1 (regulator of telomere elongation helicase 1; plus strand), RTEL1-TNFRSF6B (RTEL1-TNFRSF6B readthrough (NMD candidate); plus strand). Cytogenetic location: 20q13.33.
Variant type: single nucleotide variant.
Coding change: c.2186G>A on transcript NM_001283009.2 (MANE Select); coding-DNA position 2186, G replaced by A.
Protein change: p.Arg729His; replaces arginine 729 with histidine.
Molecular consequence: missense variant. On other transcripts: non-coding transcript variant (1).
Genome position (GRCh38, 1-based): chr20:63,690,131, G>A. VCF-style: chr20-63690131-G-A. GRCh37 (hg19) VCF-style: chr20-62321484-G-A.
Other names: c.2258G>A (NM_032957.4); c.1517G>A, p.Arg506His (NM_001283010.1); c.2186G>A, p.Arg729His (NM_016434.4); c.2258G>A, p.Arg753His (NM_032957.5); short protein forms R729H, R753H, R506H.
Identifiers: ClinVar variation 2181512 (VCV002181512.5), dbSNP rs777153220, ClinGen allele CA9965220.
Genomic context (GRCh38, chr20:63,690,131, plus strand): 5'-TATGGCCACCCCCCAGGTTCGCCTTTGCCGACGCAAGAGCCCAACTGCCCTCCTGGGTGC[G>A]TCCCCACGTCAGGGTGTATGACAACTTTGGCCATGTCATCCGAGACGTGGCCCAGTTCTT-3'
Protein context (NP_001269938.1, residues 719-739): DARAQLPSWV[Arg729His]PHVRVYDNFG